The following is an entry in ClinVar:

NM_006060.6(IKZF1):c.1552A>G (p.Met518Val)

Gene: IKZF1 (IKAROS family zinc finger 1; plus strand). Cytogenetic location: 7p12.2.
Variant type: single nucleotide variant.
Coding change: c.1552A>G on transcript NM_006060.6 (MANE Select); coding-DNA position 1552, A replaced by G.
Protein change: p.Met518Val; replaces methionine 518 with valine.
Molecular consequence: missense variant.
Genome position (GRCh38, 1-based): chr7:50,400,619, A>G. VCF-style: chr7-50400619-A-G. GRCh37 (hg19) VCF-style: chr7-50468317-A-G.
Other names: c.1426A>G, p.Met476Val (NM_001291837.2, NM_001220765.3); c.1291A>G, p.Met431Val (NM_001291838.2, NM_001220768.2); c.1165A>G, p.Met389Val (NM_001291839.2); c.862A>G, p.Met288Val (NM_001291840.1); c.1123A>G, p.Met375Val (NM_001291841.1, NM_001220771.2); c.1093A>G, p.Met365Val (NM_001291842.1); c.997A>G, p.Met333Val (NM_001291843.1); c.967A>G, p.Met323Val (NM_001291844.1); and 3 more; short protein forms M288V, M431V, M375V, M476V, M538V, M323V, M365V, M389V.
Identifiers: ClinVar variation 2717635 (VCV002717635.3), dbSNP rs1405523892, ClinGen allele CA367525430.

ClinVar aggregate classification (germline): Uncertain significance (1 of 4 stars; one submission).

Allele frequency attached by ClinVar (database versions not stated): gnomAD exomes below 0.00001; TOPMed below 0.00001; gnomAD 0.00001.
gnomAD v4.1: 2 of 1,609,104 alleles (0.00012%); highest among the groups gnomAD compares: Non-Finnish European, 0.00017%; no homozygotes.

Submission:

Labcorp Genetics (formerly Invitae), Labcorp
Classification: Uncertain significance. Last evaluated: 2023-07-21. Review status: criteria provided, single submitter. Criteria: Invitae Variant Classification Sherloc (09022015). Collection method: clinical testing. Allele origin: germline.
Comment: This variant is not present in population databases (gnomAD no frequency). This sequence change replaces methionine, which is neutral and non-polar, with valine, which is neutral and non-polar, at codon 518 of the IKZF1 protein (p.Met518Val). This variant has not been reported in the literature in individuals affected with IKZF1-related conditions. In summary, the available evidence is currently insufficient to determine the role of this variant in disease. Therefore, it has been classified as a Variant of Uncertain Significance. An algorithm developed to predict the effect of missense changes on protein structure and function (PolyPhen-2) suggests that this variant is likely to be tolerated.